The following is an entry in ClinVar:

ClinVar aggregate classification (germline): Conflicting classifications of pathogenicity. Review status: criteria provided, conflicting classifications (1 of 4 stars). 3 submissions from 3 submitters: Uncertain significance (2); Likely benign (1). Last evaluated 2026-06-03.

Conditions:
Ehlers-Danlos syndrome, classic type, 1 (EDSCL1). Also called: Ehlers-Danlos syndrome, type 1; EHLERS-DANLOS SYNDROME, GRAVIS TYPE; EHLERS-DANLOS SYNDROME, SEVERE CLASSIC TYPE; EDS I; Ehlers-Danlos Syndrome, Classic Type, COL5A1-Related. Identifiers: MedGen C0268335, MONDO:0019567, OMIM 130000.
Familial thoracic aortic aneurysm and aortic dissection (TAAD). Also called: Thoracic aortic aneurysms and dissections. Identifiers: Orphanet 91387, MedGen C4707243, MONDO:0019625.

Allele frequency attached by ClinVar (database versions not stated): TOPMed 0.00001; ExAC 0.00001; gnomAD 0.00002; gnomAD exomes 0.00002.
gnomAD v4.1: 30 of 1,612,218 alleles (0.0019%); highest among the groups gnomAD compares: Admixed American, 0.005%; no homozygotes.

Submissions (3):

Ambry Genetics
Classification: Uncertain significance for Familial thoracic aortic aneurysm and aortic dissection. Last evaluated: 2026-06-03. Review status: criteria provided, single submitter. Criteria: Ambry Variant Classification Scheme 2023. Collection method: clinical testing. Allele origin: germline.

Labcorp Genetics (formerly Invitae), Labcorp
Classification: Likely benign for Ehlers-Danlos syndrome, classic type, 1. Last evaluated: 2025-12-26. Review status: criteria provided, single submitter. Criteria: Invitae Variant Classification Sherloc (09022015). Collection method: clinical testing. Allele origin: germline.

Laboratorio de Genetica e Diagnostico Molecular, Hospital Israelita Albert Einstein
Classification: Uncertain significance. Last evaluated: 2020-04-22. Review status: criteria provided, single submitter. Criteria: ACMG Guidelines, 2015. Collection method: clinical testing. Allele origin: germline. Affected: yes.
Comment: ACMG classification criteria: PM2, PP3

NM_000093.5(COL5A1):c.3041G>A (p.Arg1014His)

Gene: COL5A1 (collagen type V alpha 1 chain; plus strand). Cytogenetic location: 9q34.3.
Variant type: single nucleotide variant.
Coding change: c.3041G>A on transcript NM_000093.5 (MANE Select); coding-DNA position 3041, G replaced by A.
Protein change: p.Arg1014His; replaces arginine 1014 with histidine.
Molecular consequence: missense variant.
Genome position (GRCh38, 1-based): chr9:134,802,922, G>A. VCF-style: chr9-134802922-G-A. GRCh37 (hg19) VCF-style: chr9-137694768-G-A.
Other names: c.3041G>A, p.Arg1014His (NM_001278074.1); c.3041G>A (NM_000093.3); short protein forms R1014H.
Identifiers: ClinVar variation 940700 (VCV000940700.13), dbSNP rs754184016, ClinGen allele CA5319740.